The following is an entry in ClinVar:

ClinVar aggregate classification (germline): Likely pathogenic (1 of 4 stars; one submission).

Submission:

GeneDx
Classification: Likely pathogenic. Last evaluated: 2018-11-13. Review status: criteria provided, single submitter. Criteria: GeneDx Variant Classification (06012015). Collection method: clinical testing. Allele origin: germline. Affected: yes.
Comment: The S2621C variant that is likely pathogenic in the FBN1 gene has not been published as pathogenic or been reported as benign to our knowledge. This variant is not observed inlarge population cohorts (Lek et al., 2016; 1000 Genomes Consortium et al., 2015; Exome VariantServer). The S2621C variant is a non-conservative amino acid substitution, which is likely to impactsecondary protein structure as these residues differ in polarity, charge, size and/or other properties.This substitution occurs at a position that is conserved across species, and in silico analysis predictsthis variant is probably damaging to the protein structure/function. Furthermore, the S2621C variantintroduces a new Cysteine residue within a calcium-binding EGF-like domain of the FBN1 gene, whichmay affect disulfide bonding and is predicted to alter the structure and function of the protein.Cysteine substitutions in the calcium-binding EGF-like domains represent the majority of pathogenicmissense changes associated with FBN1-related disorders (Collod-Beroud et al., 2003).

NM_000138.5(FBN1):c.7862C>G (p.Ser2621Cys)

Gene: FBN1 (fibrillin 1; minus strand). Cytogenetic location: 15q21.1.
Variant type: single nucleotide variant.
Coding change: c.7862C>G on transcript NM_000138.5 (MANE Select); coding-DNA position 7862, C replaced by G.
Protein change: p.Ser2621Cys; replaces serine 2621 with cysteine.
Molecular consequence: missense variant.
Genome position (GRCh38, 1-based): chr15:48,415,725, G>C on the plus strand (C>G on the coding strand, the complement: FBN1 is on the minus strand). VCF-style: chr15-48415725-G-C. GRCh37 (hg19) VCF-style: chr15-48707922-G-C.
Other names: short protein forms S2621C.
Identifiers: ClinVar variation 426992 (VCV000426992.2), dbSNP rs1085307887, ClinGen allele CA392323378.